The following is an entry in ClinVar:

ClinVar aggregate classification (germline): Pathogenic/Likely pathogenic. Review status: criteria provided, multiple submitters, no conflicts (2 of 4 stars). 3 submissions from 3 submitters: Pathogenic (1); Likely pathogenic (2). Last evaluated 2024-05-10.

Conditions:
Charcot-Marie-Tooth disease type 4K. Also called: CHARCOT-MARIE-TOOTH DISEASE, DEMYELINATING, AUTOSOMAL RECESSIVE, TYPE 4K; CHARCOT-MARIE-TOOTH NEUROPATHY, DEMYELINATING, AUTOSOMAL RECESSIVE, TYPE 4K; CHARCOT-MARIE-TOOTH DISEASE, DEMYELINATING, TYPE 4K. Identifiers: Orphanet 391351, MedGen C4225246, MONDO:0014733, OMIM 616684.
Mitochondrial complex IV deficiency, nuclear type 1 (MC4DN1). Also called: COX DEFICIENCY; Mitochondrial complex IV deficiency; Complex 4 mitochondrial respiratory chain deficiency; Deficiency of mitochondrial respiratory chain complex4; Complex IV deficiency. Identifiers: MedGen C5435656, MONDO:0700250, OMIM 220110. Disease mechanism: loss of function.
Leigh syndrome (NULS). Also called: LEIGH SYNDROME, NUCLEAR; Leigh Syndrome (mtDNA deletion); Leigh's necrotizing encephalopathy; Leigh's disease; Subacute necrotizing encephalopathy; Necrotizing encephalopathy infantile subacute of Leigh. Identifiers: Orphanet 506, MedGen C2931891, MONDO:0009723, OMIM 256000.

Submissions (3):

Fulgent Genetics
Classification: Likely pathogenic for Mitochondrial complex IV deficiency, nuclear type 1; Charcot-Marie-Tooth disease type 4K. Last evaluated: 2024-05-10. Review status: criteria provided, single submitter. Criteria: ACMG Guidelines, 2015. Collection method: clinical testing. Allele origin: germline.

Women's Health and Genetics/Laboratory Corporation of America, LabCorp
Classification: Likely pathogenic for Leigh syndrome. Last evaluated: 2022-11-25. Review status: criteria provided, single submitter. Criteria: LabCorp Variant Classification Summary - May 2015. Collection method: clinical testing. Allele origin: germline.
Comment: Variant summary: SURF1 c.534_535delTA (p.Asn178LysfsX12) results in a premature termination codon, predicted to cause a truncation of the encoded protein or absence of the protein due to nonsense mediated decay, which are commonly known mechanisms for disease. Truncations downstream of this position have been classified as pathogenic in ClinVar. The variant allele was found at a frequency of 8.1e-06 in 248160 control chromosomes (gnomAD). To our knowledge, no occurrence of c.534_535delTA in individuals affected with Leigh Syndrome and no experimental evidence demonstrating its impact on protein function have been reported. One clinical diagnostic laboratory has submitted clinical-significance assessments for this variant to ClinVar after 2014 and classified the variant as pathogenic. Based on the evidence outlined above, the variant was classified as likely pathogenic.

GeneDx
Classification: Pathogenic. Last evaluated: 2017-06-09. Review status: criteria provided, single submitter. Criteria: GeneDx Variant Classification (06012015). Collection method: clinical testing. Allele origin: germline. Affected: yes.
Comment: The c.534_535delTA variant in the SURF1 gene has not been reported previously as a pathogenic variant nor as a benign variant, to our knowledge. The c.534_535delTA variant causes a frameshift starting with codon Asparagine 178, changes this amino acid to a Lysine residue, and creates a premature Stop codon at position 12 of the new reading frame, denoted p.Asn178LysfsX12. This variant is predicted to cause loss of normal protein function either through protein truncation or nonsense-mediated mRNA decay. The c.534_535delTA variant is not observed in large population cohorts (Lek et al., 2016; 1000 Genomes Consortium et al., 2015; Exome Variant Server). We interpret c.534_535delTA as a pathogenic variant.

NM_003172.4(SURF1):c.534_535del (p.Asn178fs)

Gene: SURF1 (SURF1 cytochrome c oxidase assembly factor; minus strand). Cytogenetic location: 9q34.2.
Variant type: Deletion.
Coding change: c.534_535del on transcript NM_003172.4 (MANE Select); coding-DNA positions 534 to 535, 2 bases deleted (TA; older notation c.534_535delTA).
Protein change: p.Asn178fs; shifts the reading frame from asparagine 178.
Molecular consequence: frameshift variant.
Genome position (GRCh38, 1-based): chr9:133,352,747-133,352,748, TA deleted on the plus strand (TA on the coding strand, the reverse complement: SURF1 is on the minus strand); deleting any 2 consecutive bases within chr9:133,352,747-133,352,749 gives the same sequence; the c. name uses the placement nearest the transcript's 3' end. VCF-style (leftmost placement, unchanged base first): chr9-133352746-CTA-C. GRCh37 (hg19) VCF-style: chr9-136219601-CTA-C.
Other names: c.207_208del, p.Asn69fs (NM_001280787.1); short protein forms N178fs, N69fs.
Identifiers: ClinVar variation 432819 (VCV000432819.4), dbSNP rs1242159511, ClinGen allele CA645372876.
Genomic context (GRCh38, chr9:133,352,746, plus strand): 5'-TCCCTTACCTGGCCTTTCTGCCGGGTTTCAGGATTCACTTTCTTCCTGGGAACGAACCCT[CTA>C]TTTACCAGGATGGTGACTCTAGGGTAATGAAAGTGCTACTTCAGGTGGGGAGGGTTTTTG-3'